The following is an entry in ClinVar:

ClinVar aggregate classification (germline): Uncertain significance (1 of 4 stars; one submission).

Conditions:
TTN-related disorder. Also called: TTN-related condition; TTN-related disease; TTN-related disorders.

gnomAD v4.1: 5 of 1,613,842 alleles (0.00031%); highest among the groups gnomAD compares: East Asian, 0.0089%; no homozygotes.

Submission:

PreventionGenetics, part of Exact Sciences
Classification: Uncertain significance for TTN-related condition. Last evaluated: 2025-02-18. Review status: criteria provided, single submitter. Criteria: ACMG Guidelines, 2015. Collection method: clinical testing. Allele origin: germline.
Comment: The TTN c.97007C>T variant is predicted to result in the amino acid substitution p.Pro32336Leu. To our knowledge, this variant has not been reported in the literature. This variant is reported in 0.022% of alleles in individuals of East Asian descent in gnomAD. At this time, the clinical significance of this variant is uncertain due to the absence of conclusive functional and genetic evidence.

NM_001267550.2(TTN):c.97007C>T (p.Pro32336Leu)

Genes: TTN (titin; minus strand), TTN-AS1 (TTN antisense RNA 1; plus strand). Cytogenetic location: 2q31.2.
Variant type: single nucleotide variant.
Coding change: c.97007C>T on transcript NM_001267550.2 (MANE Select); coding-DNA position 97007, C replaced by T.
Protein change: p.Pro32336Leu; replaces proline 32336 with leucine.
Molecular consequence: missense variant.
Genome position (GRCh38, 1-based): chr2:178,542,847, G>A on the plus strand (C>T on the coding strand, the complement: TTN is on the minus strand). VCF-style: chr2-178542847-G-A. GRCh37 (hg19) VCF-style: chr2-179407574-G-A.
Other names: c.92084C>T, p.Pro30695Leu (NM_001256850.1); c.69812C>T, p.Pro23271Leu (NM_003319.4); c.89303C>T, p.Pro29768Leu (NM_133378.4); c.70187C>T, p.Pro23396Leu (NM_133432.3); c.70388C>T, p.Pro23463Leu (NM_133437.4); short protein forms P29768L, P32336L, P30695L, P23396L, P23463L, P23271L.
Identifiers: ClinVar variation 4978011 (VCV004978011.1).